The following is an entry in ClinVar:

NM_003482.4(KMT2D):c.2533del (p.Arg845fs)

Gene: KMT2D (lysine methyltransferase 2D; minus strand). Cytogenetic location: 12q13.12.
Variant type: Deletion.
Coding change: c.2533del on transcript NM_003482.4 (MANE Select); coding-DNA position 2533, one base deleted (C; older notation c.2533delC).
Protein change: p.Arg845fs; shifts the reading frame from arginine 845.
Molecular consequence: frameshift variant.
Genome position (GRCh38, 1-based): chr12:49,051,150, G deleted on the plus strand (C on the coding strand, the reverse complement: KMT2D is on the minus strand); the first of 6 consecutive G bases (chr12:49,051,150-49,051,155); deleting any one gives the same sequence. VCF-style (leftmost placement, unchanged base first): chr12-49051149-CG-C. GRCh37 (hg19) VCF-style: chr12-49444932-CG-C.
Other names: c.2533delC (NM_003482.3); short protein forms R845fs.
Identifiers: ClinVar variation 531886 (VCV000531886.7), dbSNP rs767415197, ClinGen allele CA658797903.

ClinVar aggregate classification (germline): Pathogenic. Review status: criteria provided, multiple submitters, no conflicts (2 of 4 stars). 2 submissions from 2 submitters: Pathogenic (2). Last evaluated 2025-09-10.

Conditions:
Kabuki syndrome. Also called: NIIKAWA-KUROKI SYNDROME; Kabuki make-up syndrome. Identifiers: Orphanet 2322, MedGen C0796004, MONDO:0016512.
Kabuki syndrome 1 (KABUK1). Also called: KMT2D-Related Kabuki Syndrome. Identifiers: Orphanet 2322, MedGen CN030661, MONDO:0007843, OMIM 147920.

Submissions (2):

Genomic Medicine Center of Excellence, King Faisal Specialist Hospital and Research Centre
Classification: Pathogenic for Kabuki syndrome 1. Last evaluated: 2025-09-10. Review status: criteria provided, single submitter. Criteria: ACMG Guidelines, 2015. Collection method: clinical testing. Allele origin: germline.

Labcorp Genetics (formerly Invitae), Labcorp
Classification: Pathogenic for Kabuki syndrome. Last evaluated: 2017-11-27. Review status: criteria provided, single submitter. Criteria: Invitae Variant Classification Sherloc (09022015). Collection method: clinical testing. Allele origin: germline.
Comment: For these reasons, this variant has been classified as Pathogenic. Loss-of-function variants in KMT2D are known to be pathogenic (PMID: 22126750). This variant has not been reported in the literature in individuals with KMT2D-related disease. This variant is not present in population databases (ExAC no frequency). This sequence change creates a premature translational stop signal (p.Arg845Glyfs*85) in the KMT2D gene. It is expected to result in an absent or disrupted protein product.

Literature cited by the submitters: PubMed 22126750 (cited by Labcorp Genetics (formerly Invitae), Labcorp).